The following is an entry in ClinVar:

ClinVar aggregate classification (germline): Uncertain significance. Review status: criteria provided, multiple submitters, no conflicts (2 of 4 stars). 2 submissions from 2 submitters: Uncertain significance (2). Last evaluated 2025-10-10.

Conditions:
Amyotrophic lateral sclerosis type 1 (ALS1). Also called: AMYOTROPHIC LATERAL SCLEROSIS 1, FAMILIAL. Identifiers: Orphanet 803, MedGen C1862939, MONDO:0007103, OMIM 105400.

gnomAD v4.1: 10 of 1,613,822 alleles (0.00062%); highest among the groups gnomAD compares: Admixed American, 0.012%; no homozygotes.

Submissions (2):

Mayo Clinic Laboratories, Mayo Clinic
Classification: Uncertain significance. Last evaluated: 2025-10-10. Review status: criteria provided, single submitter. Criteria: ACMG Guidelines, 2015. Collection method: clinical testing. Allele origin: germline. Observed: 1 variant allele.
Comment: PP3_moderate, PM2_supporting

Labcorp Genetics (formerly Invitae), Labcorp
Classification: Uncertain significance for Amyotrophic lateral sclerosis type 1. Last evaluated: 2025-07-29. Review status: criteria provided, single submitter. Criteria: Invitae Variant Classification Sherloc (09022015). Collection method: clinical testing. Allele origin: germline.
Comment: This sequence change replaces glycine, which is neutral and non-polar, with serine, which is neutral and polar, at codon 130 of the SOD1 protein (p.Gly130Ser). This variant is present in population databases (no rsID available, gnomAD 0.01%). This variant has not been reported in the literature in individuals affected with SOD1-related conditions. Invitae Evidence Modeling of protein sequence and biophysical properties (such as structural, functional, and spatial information, amino acid conservation, physicochemical variation, residue mobility, and thermodynamic stability) indicates that this missense variant is expected to disrupt SOD1 protein function with a positive predictive value of 95%. In summary, the available evidence is currently insufficient to determine the role of this variant in disease. Therefore, it has been classified as a Variant of Uncertain Significance.

Literature cited by the submitters: PubMed 39574875 (cited by Mayo Clinic Laboratories, Mayo Clinic); PubMed 40060668 (cited by Mayo Clinic Laboratories, Mayo Clinic).

NM_000454.5(SOD1):c.388G>A (p.Gly130Ser)

Gene: SOD1 (superoxide dismutase 1; plus strand). Cytogenetic location: 21q22.11.
Variant type: single nucleotide variant.
Coding change: c.388G>A on transcript NM_000454.5 (MANE Select); coding-DNA position 388, G replaced by A.
Protein change: p.Gly130Ser; replaces glycine 130 with serine.
Molecular consequence: missense variant.
Genome position (GRCh38, 1-based): chr21:31,668,501, G>A. VCF-style: chr21-31668501-G-A. GRCh37 (hg19) VCF-style: chr21-33040814-G-A.
Other names: p.Gly130Ser; short protein forms G130S.
Identifiers: ClinVar variation 4542403 (VCV004542403.2).